The following is an entry in ClinVar:

NM_001012614.2(CTBP1):c.1207G>A (p.Val403Met)

Genes: CTBP1 (C-terminal binding protein 1; minus strand), CTBP1-AS (CTBP1 antisense RNA; plus strand). Cytogenetic location: 4p16.3.
Variant type: single nucleotide variant.
Coding change: c.1207G>A on transcript NM_001012614.2 (MANE Select); coding-DNA position 1207, G replaced by A.
Protein change: p.Val403Met; replaces valine 403 with methionine.
Molecular consequence: missense variant. On other transcripts: non-coding transcript variant (1).
Genome position (GRCh38, 1-based): chr4:1,212,323, C>T on the plus strand (G>A on the coding strand, the complement: CTBP1 is on the minus strand). VCF-style: chr4-1212323-C-T. GRCh37 (hg19) VCF-style: chr4-1206111-C-T.
Other names: c.1240G>A, p.Val414Met (NM_001328.3); c.1243G>A, p.Val415Met (NM_001377186.1); c.1210G>A, p.Val404Met (NM_001377187.1, NM_001377188.1, NM_001377189.1 and 1 more transcripts); c.1207G>A, p.Val403Met (NM_001377191.1, NM_001377192.1, NM_001377193.1); short protein forms V403M, V404M, V414M, V415M.
Identifiers: ClinVar variation 3377930 (VCV003377930.1).

ClinVar aggregate classification (germline): Uncertain significance (1 of 4 stars; one submission).

Submission:

GeneDx
Classification: Uncertain significance. Last evaluated: 2024-05-15. Review status: criteria provided, single submitter. Criteria: GeneDx Variant Classification Process June 2021. Collection method: clinical testing. Allele origin: germline. Affected: yes.
Comment: Not observed at significant frequency in large population cohorts (gnomAD); In silico analysis indicates that this missense variant does not alter protein structure/function; Has not been previously published as pathogenic or benign to our knowledge